The following is an entry in ClinVar:

ClinVar aggregate classification (germline): Pathogenic (1 of 4 stars; one submission).

Conditions:
Intellectual developmental disorder, autosomal dominant 1. Also called: Intellectual disability, autosomal dominant 1; MBD5 Haploinsufficiency. Identifiers: Orphanet 228402, MedGen C1969562, MONDO:0007974, OMIM 156200.

Submission:

Labcorp Genetics (formerly Invitae), Labcorp
Classification: Pathogenic for Intellectual developmental disorder, autosomal dominant 1. Last evaluated: 2022-09-01. Review status: criteria provided, single submitter. Criteria: Invitae Variant Classification Sherloc (09022015). Collection method: clinical testing. Allele origin: germline.
Comment: ClinVar contains an entry for this variant (Variation ID: 1429634). For these reasons, this variant has been classified as Pathogenic. This variant has not been reported in the literature in individuals affected with MBD5-related conditions. This variant is not present in population databases (gnomAD no frequency). This sequence change creates a premature translational stop signal (p.Asp1024Metfs*5) in the MBD5 gene. It is expected to result in an absent or disrupted protein product. Loss-of-function variants in MBD5 are known to be pathogenic (PMID: 23422940, 23587880).

Literature cited by the submitters: PubMed 23422940; PubMed 23587880.

NM_001378120.1(MBD5):c.3769del (p.Asp1257fs)

Gene: MBD5 (methyl-CpG binding domain protein 5; plus strand). Cytogenetic location: 2q23.1.
Variant type: Deletion.
Coding change: c.3769del on transcript NM_001378120.1 (MANE Select); coding-DNA position 3769, one base deleted (G; older notation c.3769delG).
Protein change: p.Asp1257fs; shifts the reading frame from aspartic acid 1257.
Molecular consequence: frameshift variant.
Genome position (GRCh38, 1-based): chr2:148,489,401, G deleted. VCF-style (leftmost placement, unchanged base first): chr2-148489400-AG-A. GRCh37 (hg19) VCF-style: chr2-149246969-AG-A.
Other names: c.3070del, p.Asp1024fs (NM_018328.5); short protein forms D1024fs, D1257fs.
Identifiers: ClinVar variation 1429634 (VCV001429634.6), dbSNP rs2105123510, ClinGen allele CA2573133303.